The following is an entry in ClinVar:

ClinVar aggregate classification (germline): Uncertain significance (1 of 4 stars; one submission).

Conditions:
Tumor predisposition syndrome 3 (TPDS3). Also called: Melanoma, cutaneous malignant, susceptibility to, 10; Glioma susceptibility 9; LONG TELOMERE SYNDROME, POT1-RELATED; POT1 Tumor Predisposition. Identifiers: Orphanet 618, MedGen C4014476, MONDO:0014368, OMIM 615848.

Allele frequency attached by ClinVar (database versions not stated): gnomAD exomes below 0.00001.
gnomAD v4.1: 1 of 1,512,816 alleles (0.000066%); highest among the groups gnomAD compares: Admixed American, 0.002%; no homozygotes.

Submission:

Labcorp Genetics (formerly Invitae), Labcorp
Classification: Uncertain significance for Tumor predisposition syndrome 3. Last evaluated: 2024-07-24. Review status: criteria provided, single submitter. Criteria: Invitae Variant Classification Sherloc (09022015). Collection method: clinical testing. Allele origin: germline.
Comment: This sequence change falls in intron 8 of the POT1 gene. It does not directly change the encoded amino acid sequence of the POT1 protein. This variant is not present in population databases (gnomAD no frequency). This variant has not been reported in the literature in individuals affected with POT1-related conditions. ClinVar contains an entry for this variant (Variation ID: 2054091). Algorithms developed to predict the effect of sequence changes on RNA splicing suggest that this variant may disrupt the consensus splice site. In summary, the available evidence is currently insufficient to determine the role of this variant in disease. Therefore, it has been classified as a Variant of Uncertain Significance.

NM_015450.3(POT1):c.547-13T>G

Gene: POT1 (protection of telomeres 1; minus strand). Cytogenetic location: 7q31.33.
Variant type: single nucleotide variant.
Coding change: c.547-13T>G on transcript NM_015450.3 (MANE Select); 13 bases into the intron before coding-DNA position 547, T replaced by G.
Molecular consequence: intron variant.
Genome position (GRCh38, 1-based): chr7:124,859,125, A>C on the plus strand (T>G on the coding strand, the complement: POT1 is on the minus strand). VCF-style: chr7-124859125-A-C. GRCh37 (hg19) VCF-style: chr7-124499179-A-C.
Other names: c.154-13T>G (NM_001042594.2).
Identifiers: ClinVar variation 2054091 (VCV002054091.4), dbSNP rs2485464545, ClinGen allele CA2580076418.